The following is an entry in ClinVar:

NM_000057.4(BLM):c.1991_1992insGCCGGGCGCGGTGGCTCACGCCTGTAATCCCAGCACTTTGGGAGGCCGAGGCGGGTGGATCATGAGGTCAGGAGATCGAGACCATCNNNNNNNNNNACGGGTCGCTGGCGTTGAGCCGCTTTTGCCCCACTCACGTCCGCCGTCCCCCCGGGGCTACACAGCCATAAACCTACAAAAAAAAAAAAAAAAAAAAAAAAAAAAAAAAAAAATTTGG (p.Leu665fs)

Gene: BLM (BLM RecQ like helicase; plus strand). Cytogenetic location: 15q26.1.
Variant type: Microsatellite.
Coding change: c.1991_1992insGCCGGGCGCGGTGGCTCACGCCTGTAATCCCAGCACTTTGGGAGGCCGAGGCGGGTGGATCATGAGGTCAGGAGATCGAGACCATCNNNNNNNNNNACGGGTCGCTGGCGTTGAGCCGCTTTTGCCCCACTCACGTCCGCCGTCCCCCCGGGGCTACACAGCCATAAACCTACAAAAAAAAAAAAAAAAAAAAAAAAAAAAAAAAAAAATTTGG on transcript NM_000057.4 (MANE Select); coding-DNA positions 1991 to 1992, GCCGGGCGCGGTGGCTCACGCCTGTAATCCCAGCACTTTGGGAGGCCGAGGCGGGTGGATCATGAGGTCAGGAGATCGAGACCATCNNNNNNNNNNACGGGTCGCTGGCGTTGAGCCGCTTTTGCCCCACTCACGTCCGCCGTCCCCCCGGGGCTACACAGCCATAAACCTACAAAAAAAAAAAAAAAAAAAAAAAAAAAAAAAAAAAATTTGG inserted.
Protein change: p.Leu665fs; shifts the reading frame from leucine 665.
Molecular consequence: frameshift variant.
Genome position: GRCh38: chr15:90,763,064-90,763,074. GRCh37 (hg19): chr15:91,306,294-91,306,304.
Other names: c.1991_1992insGCCGGGCGCGGTGGCTCACGCCTGTAATCCCAGCACTTTGGGAGGCCGAGGCGGGTGGATCATGAGGTCAGGAGATCGAGACCATCNNNNNNNNNNACGGGTCGCTGGCGTTGAGCCGCTTTTGCCCCACTCACGTCCGCCGTCCCCCCGGGGCTACACAGCCATAAACCTACAAAAAAAAAAAAAAAAAAAAAAAAAAAAAAAAAAAATTTGG, p.Leu665fs (NM_001287246.2, NM_001287247.2); c.866_867insGCCGGGCGCGGTGGCTCACGCCTGTAATCCCAGCACTTTGGGAGGCCGAGGCGGGTGGATCATGAGGTCAGGAGATCGAGACCATCNNNNNNNNNNACGGGTCGCTGGCGTTGAGCCGCTTTTGCCCCACTCACGTCCGCCGTCCCCCCGGGGCTACACAGCCATAAACCTACAAAAAAAAAAAAAAAAAAAAAAAAAAAAAAAAAAAATTTGG, p.Leu290fs (NM_001287248.2); short protein forms L290fs, L665fs.
Identifiers: ClinVar variation 1073777 (VCV001073777.9).

ClinVar aggregate classification (germline): Pathogenic (1 of 4 stars; one submission).

Conditions:
Bloom syndrome (BLM). Also called: Bloom-Torre-Machacek syndrome. Identifiers: Orphanet 125, MedGen C0005859, MONDO:0008876, OMIM 210900.

Submission:

Labcorp Genetics (formerly Invitae), Labcorp
Classification: Pathogenic for Bloom syndrome. Last evaluated: 2018-10-05. Review status: criteria provided, single submitter. Criteria: Invitae Variant Classification Sherloc (09022015). Collection method: clinical testing. Allele origin: germline.
Comment: This sequence change is an Alu-mediated insertion in exon 8 of the BLM mRNA (c.1991_1992insAlu), causing a frameshift at codon 665 (p.Leu665fs). The exact size and sequence of the insertion cannot be determined by the current assay. However, the insertion is expected to result in an absent or disrupted protein product. Retrotransposon insertions including LINE1 (L1), Alu, and SVA (SINE-VNTR-Alu) have been reported to be disease-causing through disruption of either a coding region or splice site (PMID: 19763152, 20307669, 22406018). Although this variant has not been reported in the literature, loss-of-function variants in BLM are known to be pathogenic (PMID: 17407155). For these reasons, this variant has been classified as Pathogenic.

Literature cited by the submitters: PubMed 19763152; PubMed 20307669; PubMed 22406018; PubMed 17407155.